The following is an entry in ClinVar:

ClinVar aggregate classification (germline): Likely benign. Review status: reviewed by expert panel (3 of 4 stars). 11 submissions from 11 submitters: Likely benign (1). 10 of the submissions do not count toward it. Last evaluated 2026-07-07.

Conditions:
Cardiovascular phenotype. Identifiers: MedGen CN230736.
Glycogen storage disease, type II (IOPD). Also called: POMPE DISEASE, INFANTILE-ONSET; GLYCOGEN STORAGE DISEASE II, INFANTILE-ONSET; ACID ALPHA-GLUCOSIDASE DEFICIENCY, INFANTILE-ONSET; GAA DEFICIENCY, INFANTILE-ONSET; ACID MALTASE DEFICIENCY, INFANTILE-ONSET; GLYCOGENOSIS, GENERALIZED, CARDIAC FORM. Identifiers: Orphanet 365, MedGen C0017921, MONDO:0009290, OMIM 232300.

Allele frequency attached by ClinVar (database versions not stated): ExAC 0.00008; gnomAD exomes 0.00010; gnomAD 0.00014; ESP Exome Variant Server 0.00015; 1000 Genomes Project 30x 0.00016; 1000 Genomes Project 0.00020; TOPMed 0.00022.
gnomAD v4.1: 171 of 1,613,838 alleles (0.011%); highest among the groups gnomAD compares: Admixed American, 0.03%; no homozygotes.

Submissions (11):

ClinGen Lysosomal Storage Disorder Variant Curation Expert Panel
Classification: Likely benign for Glycogen storage disease, type II. Last evaluated: 2026-07-07. Review status: reviewed by expert panel. Criteria: clingen_lsd_acmg_specifications_v2-1. Collection method: curation. Allele origin: germline. Inheritance: Autosomal recessive inheritance.
Comment: The NM_000152.5:c.1593C>T (p.Asp531=) variant is a synonymous (silent) variant that is not predicted by SpliceAI to impact splicing. In addition, it occurs at a nucleotide that is not conserved as shown by PhyloP (-2.52) (BP4, BP7). The highest population minor allele frequency in gnomAD v4.1.0 is 0.0003 (18/60014 alleles) in the Admixed American population, which is lower than the ClinGen Lysosomal Diseases VCEP’s threshold for PM2_Supporting (<0.001), meeting this criterion (PM2_Supporting). It has not been reported in any individuals with Pompe disease to our knowledge. There is a ClinVar entry for this variant (Variation ID: 498567). The ClinGen Lysosomal Diseases VCEP agreed to downgrade the classification of this variant from a variant of uncertain significance to likely benign for Pompe disease given that it meets the benign evidence criteria BP4 and BP7, with only PM2_Supporting as conflicting evidence. To our knowledge, this variant has not been reported in an individual with features of Pompe disease. GAA-specific ACMG/AMP criteria applied, as specified by the ClinGen Lysosomal Diseases Variant Curation Expert Panel (Specifications Version 2.0): PM2_supporting, BP4, BP7 (classification modified to likely benign). (Classification approved by the ClinGen Lysosomal Diseases Variant Curation Expert Panel on July 7, 2026)

CeGaT Center for Human Genetics Tuebingen
Classification: Likely benign. Last evaluated: 2026-09-01. Review status: criteria provided, single submitter. Criteria: CeGaT Center For Human Genetics Tuebingen Variant Classification Criteria Version 2. Collection method: clinical testing. Allele origin: germline. Affected: yes. Observed: 4 variant alleles. Not counted in ClinVar's aggregate classification.
Comment: GAA: BP4, BP7

Labcorp Genetics (formerly Invitae), Labcorp
Classification: Likely benign for Glycogen storage disease, type II. Last evaluated: 2026-02-02. Review status: criteria provided, single submitter. Criteria: Invitae Variant Classification Sherloc (09022015). Collection method: clinical testing. Allele origin: germline. Not counted in ClinVar's aggregate classification.

Mayo Clinic Laboratories, Mayo Clinic
Classification: Likely benign. Last evaluated: 2025-05-01. Review status: criteria provided, single submitter. Criteria: ACMG Guidelines, 2015. Collection method: clinical testing. Allele origin: germline. Observed: 2 variant alleles. Not counted in ClinVar's aggregate classification.
Comment: BP4, BP7

Blueprint Genetics
Classification: Likely benign. Last evaluated: 2024-09-03. Review status: criteria provided, single submitter. Criteria: ACMG Guidelines, 2015. Collection method: clinical testing. Allele origin: germline. Not counted in ClinVar's aggregate classification.

Ambry Genetics
Classification: Likely benign for Cardiovascular phenotype. Last evaluated: 2022-04-03. Review status: criteria provided, single submitter. Criteria: Ambry Variant Classification Scheme 2023. Collection method: clinical testing. Allele origin: germline. Not counted in ClinVar's aggregate classification.

Genome-Nilou Lab
Classification: Likely benign for Glycogen storage disease, type II. Last evaluated: 2021-07-22. Review status: criteria provided, single submitter. Criteria: ACMG Guidelines, 2015. Collection method: clinical testing. Allele origin: germline. Affected: no. Not counted in ClinVar's aggregate classification.

GeneDx
Classification: Likely benign. Last evaluated: 2021-05-06. Review status: criteria provided, single submitter. Criteria: GeneDx Variant Classification Process June 2021. Collection method: clinical testing. Allele origin: germline. Affected: yes. Not counted in ClinVar's aggregate classification.

Broad Center for Mendelian Genomics, Broad Institute of MIT and Harvard
Classification: Likely benign for Glycogen storage disease, type II. Last evaluated: 2020-01-22. Review status: criteria provided, single submitter. Criteria: ACMG Guidelines, 2015. Collection method: curation. Allele origin: germline. Inheritance: Autosomal recessive inheritance. Not counted in ClinVar's aggregate classification.
Comment: The c.1593C>T (p.Asp531=) variant in GAA has not been previously reported in individuals with Glycogen Storage Disease II but has been reported in ClinVar as a VUS by EGL Genetic Diagnostics and likely benign by GeneDx, Invitae, and CeGaT Praxis fuer Humangenetik Tuebingen (Variation ID: 498567). This variant has been identified in 0.016% (20/128924) of European (non-Finnish) chromosomes and 0.006% (2/35426) of Latino chromosomes by the Genome Aggregation Database (gnomAD; dbSNP rs138732016). Although this variant has been seen in the general population, its frequency is low enough to be consistent with a recessive carrier frequency. Computational prediction tools and conservation analyses suggest that this variant may not impact the protein, though this information is not predictive enough to rule out pathogenicity. However, novel synonymous variants supported by computational evidence without raised suspicion for an impact are likely benign (Richards 2015). In summary, although additional studies are required to fully establish its clinical significance, this variant is likely benign. ACMG/AMP Criteria applied: PM2, BP4, BP7 (Richards 2015).

Eurofins Ntd Llc (ga)
Classification: Uncertain significance. Last evaluated: 2016-12-01. Review status: criteria provided, single submitter. Criteria: EGL Classification Definitions 2015. Collection method: clinical testing. Allele origin: germline. Observed: 2 variant alleles, 2 heterozygotes. Not counted in ClinVar's aggregate classification.

Natera, Inc.
Classification: Likely benign for Glycogen storage disease type II. Last evaluated: 2020-09-28. Review status: no assertion criteria provided. Collection method: clinical testing. Allele origin: germline. Not counted in ClinVar's aggregate classification.

NM_000152.5(GAA):c.1593C>T (p.Asp531=)

Gene: GAA (alpha glucosidase; plus strand). Cytogenetic location: 17q25.3.
Variant type: single nucleotide variant.
Coding change: c.1593C>T on transcript NM_000152.5 (MANE Select); coding-DNA position 1593, C replaced by T.
Protein change: p.Asp531=; no amino-acid change (aspartic acid 531 retained).
Molecular consequence: synonymous variant.
Genome position (GRCh38, 1-based): chr17:80,110,982, C>T. VCF-style: chr17-80110982-C-T. GRCh37 (hg19) VCF-style: chr17-78084781-C-T.
Other names: NM_000152.5(GAA):c.1593C>T; c.1593C>T, p.Asp531= (NM_001079803.3, NM_001079804.3); c.1593C>T (LRG_673t1).
Identifiers: ClinVar variation 498567 (VCV000498567.74), dbSNP rs138732016, ClinGen allele CA8815387.